The following is an entry in ClinVar:

NM_012414.4(RAB3GAP2):c.1715-1G>A

Gene: RAB3GAP2 (RAB3 GTPase activating non-catalytic protein subunit 2; minus strand). Cytogenetic location: 1q41.
Variant type: single nucleotide variant.
Coding change: c.1715-1G>A on transcript NM_012414.4 (MANE Select); the canonical splice acceptor site of the intron before coding-DNA position 1715, G replaced by A.
Molecular consequence: splice acceptor variant.
Genome position (GRCh38, 1-based): chr1:220,189,768, C>T on the plus strand (G>A on the coding strand, the complement: RAB3GAP2 is on the minus strand). VCF-style: chr1-220189768-C-T. GRCh37 (hg19) VCF-style: chr1-220363110-C-T.
Identifiers: ClinVar variation 2945467 (VCV002945467.3), dbSNP rs1369360268, ClinGen allele CA344644777.

ClinVar aggregate classification (germline): Likely pathogenic (1 of 4 stars; one submission).

Conditions:
Martsolf syndrome (MARTS). Also called: Congenital cataract with intellectual disability and hypogonadotropic hypogonadism syndrome. Identifiers: Orphanet 1387, MedGen C0796037, MONDO:0023910.
Warburg micro syndrome 2 (WARBM2). Also called: MICRO SYNDROME 2. Identifiers: Orphanet 2510, MedGen C3280214, MONDO:0013641, OMIM 614225.

Submission:

Labcorp Genetics (formerly Invitae), Labcorp
Classification: Likely pathogenic for Martsolf syndrome; Warburg micro syndrome 2. Last evaluated: 2025-03-17. Review status: criteria provided, single submitter. Criteria: Invitae Variant Classification Sherloc (09022015). Collection method: clinical testing. Allele origin: germline.
Comment: This sequence change affects an acceptor splice site in intron 16 of the RAB3GAP2 gene. It is expected to disrupt RNA splicing. Variants that disrupt the donor or acceptor splice site typically lead to a loss of protein function (PMID: 16199547), and loss-of-function variants in RAB3GAP2 are known to be pathogenic (PMID: 23420520). This variant is not present in population databases (gnomAD no frequency). This variant has not been reported in the literature in individuals affected with RAB3GAP2-related conditions. ClinVar contains an entry for this variant (Variation ID: 2945467). Algorithms developed to predict the effect of sequence changes on RNA splicing suggest that this variant may disrupt the consensus splice site. In summary, the currently available evidence indicates that the variant is pathogenic, but additional data are needed to prove that conclusively. Therefore, this variant has been classified as Likely Pathogenic.

Literature cited by the submitters: PubMed 16199547; PubMed 23420520.